The following is an entry in ClinVar:

ClinVar aggregate classification (germline): Conflicting classifications of pathogenicity. Review status: criteria provided, conflicting classifications (1 of 4 stars). 9 submissions from 9 submitters: Pathogenic (3); Likely pathogenic (2); Uncertain significance (1). 3 of the submissions do not count toward it. Last evaluated 2025-11-24.

Conditions:
TUBA1A-related disorder. Also called: TUBA1A-related condition.
Corpus callosum, agenesis of. Also called: Isolated corpus callosum agenesis; Corpus callosum agenesis; Mental retardation hypoplastic corpus callosum preauricular tag; Da silva syndrome; Agenesis of the corpus callosum. Identifiers: Orphanet 200, MedGen C0175754, MONDO:0009022, OMIM 217990, HP:0001274.
Lissencephaly due to TUBA1A mutation (CDCBM16). Also called: CORTICAL DYSPLASIA, COMPLEX, WITH OTHER BRAIN MALFORMATIONS 16; Lissencephaly 3. Identifiers: Orphanet 171680, MedGen C4305153, MONDO:0012703, OMIM 611603.
Genetic syndrome with a Dandy-Walker malformation as major feature.
Tubulinopathy-associated dysgyria. Identifiers: Orphanet 467166, MedGen C5568850, MONDO:0018763.
Tubulinopathy. Also called: Tubulinopathies. Identifiers: MedGen CN850169, MONDO:0100153.
Inborn genetic diseases. Identifiers: MedGen C0950123, MeSH D030342.
Dandy-Walker syndrome (DWS). Identifiers: Orphanet 217, MedGen C0010964, MeSH D003616, MONDO:0009072, OMIM 220200.

Submissions (9):

Institute of Human Genetics, University of Leipzig Medical Center
Classification: Pathogenic for Lissencephaly due to TUBA1A mutation. Last evaluated: 2025-11-24. Review status: criteria provided, single submitter. Criteria: ACMG Guidelines, 2015. Collection method: clinical testing. Allele origin: de novo. Inheritance: Autosomal dominant inheritance. Affected: yes.
Comment: Criteria applied: PM2,PM5,PP2,PS2,PS4

Labcorp Genetics (formerly Invitae), Labcorp
Classification: Uncertain significance. Last evaluated: 2024-10-16. Review status: criteria provided, single submitter. Criteria: Invitae Variant Classification Sherloc (09022015). Collection method: clinical testing. Allele origin: germline.
Comment: This sequence change replaces aspartic acid, which is acidic and polar, with asparagine, which is neutral and polar, at codon 218 of the TUBA1A protein (p.Asp218Asn). This variant is not present in population databases (gnomAD no frequency). This missense change has been observed in individual(s) with TUBA1A-related conditions (PMID: 31474318, 31628766, 33077954). ClinVar contains an entry for this variant (Variation ID: 372561). Invitae Evidence Modeling of protein sequence and biophysical properties (such as structural, functional, and spatial information, amino acid conservation, physicochemical variation, residue mobility, and thermodynamic stability) indicates that this missense variant is not expected to disrupt TUBA1A protein function with a negative predictive value of 80%. In summary, the available evidence is currently insufficient to determine the role of this variant in disease. Therefore, it has been classified as a Variant of Uncertain Significance.

GeneDx
Classification: Pathogenic. Last evaluated: 2021-12-14. Review status: criteria provided, single submitter. Criteria: GeneDx Variant Classification Process June 2021. Collection method: clinical testing. Allele origin: germline. Affected: yes.
Comment: Not observed in large population cohorts (Lek et al., 2016); Missense variants in this gene are often considered pathogenic (Stenson et al., 2014); In silico analysis supports that this missense variant has a deleterious effect on protein structure/function; This variant is associated with the following publications: (PMID: 31628766, 33077954, 31474318)

Center for Pediatrics and Adolescent Medicine, University Hospital Heidelberg
Classification: Likely pathogenic for Tubulinopathy-associated dysgyria. Last evaluated: 2021-11-01. Review status: criteria provided, single submitter. Criteria: ACMG Guidelines, 2015. Collection method: research. Allele origin: unknown. Inheritance: Autosomal dominant inheritance. Affected: yes. Observed: 1 heterozygote.

Ambry Genetics
Classification: Pathogenic for Inborn genetic diseases. Last evaluated: 2019-09-19. Review status: criteria provided, single submitter. Criteria: Ambry exome assertion method (8-5-2015). Collection method: clinical testing. Allele origin: germline. Affected: yes. Observed: 3 variant alleles. Clinical features observed: Profound global developmental delay (HP:0012736), Intellectual disability (HP:0001249), Microcephaly (HP:0000252), Bilateral coxa valga (HP:0010665), Osteopenia (HP:0000938), Cortical visual impairment (HP:0100704), Nystagmus (HP:0000639), Optic nerve hypoplasia (HP:0000609), Widely spaced teeth (HP:0000687), Downturned corners of mouth (HP:0002714), Global developmental delay (HP:0001263), Seizures (HP:0001250), and 14 more.

Institute of Human Genetics, FAU Erlangen, Friedrich-Alexander-Universität Erlangen-Nürnberg
Classification: Likely pathogenic for Tubulinopathies. Last evaluated: 2018-07-01. Review status: criteria provided, single submitter. Criteria: ACMG Guidelines, 2015. Collection method: literature only. Allele origin: germline. Affected: yes. Observed: 1 variant allele.
Comment: The c.652G>A, p.(Asp218Asn) variant has been reported as a variant of germline/unknown origin.

PreventionGenetics, part of Exact Sciences
Classification: Likely pathogenic for TUBA1A-related condition. Last evaluated: 2024-03-07. Review status: no assertion criteria provided. Collection method: clinical testing. Allele origin: germline. Not counted in ClinVar's aggregate classification.
Comment: The TUBA1A c.652G>A variant is predicted to result in the amino acid substitution p.Asp218Asn. This variant has been reported in the de novo state in multiple individuals with TUBA1A related diseases (Aldinger et al. 2019. PubMed ID: 31474318. Table S5; Powis et al. 2019. PubMed ID: 31628766. Supplementary; Jin et al. 2020. PubMed ID: 33077954. Dataset 2). This variant has not been reported in a large population database, indicating this variant is rare. This variant is interpreted as likely pathogenic.

Dobyns Lab, Seattle Children's Research Institute
Classification: Pathogenic for Lissencephaly 3; Genetic syndrome with a Dandy-Walker malformation as major feature; Agenesis of corpus callosum. Last evaluated: 2019-02-18. Review status: no assertion criteria provided. Collection method: research. Allele origin: germline. Affected: yes. Observed: 1 variant allele. Not counted in ClinVar's aggregate classification.

University of Washington Center for Mendelian Genomics, University of Washington
Classification: Likely pathogenic for Dandy-Walker malformation. Review status: no assertion criteria provided. Collection method: research. Allele origin: de novo. Affected: yes. Not counted in ClinVar's aggregate classification.

Literature cited by the submitters: PubMed 31474318 (cited by 3 submitters); PubMed 31628766 (cited by Labcorp Genetics (formerly Invitae), Labcorp and Center for Pediatrics and Adolescent Medicine, University Hospital Heidelberg); PubMed 33077954 (cited by Labcorp Genetics (formerly Invitae), Labcorp); PubMed 20466733 (cited by Center for Pediatrics and Adolescent Medicine, University Hospital Heidelberg and Ambry Genetics); PubMed 30744660 (cited by Institute of Human Genetics, FAU Erlangen, Friedrich-Alexander-Universität Erlangen-Nürnberg); DOI 10.1101/427948 (cited by Institute of Human Genetics, FAU Erlangen, Friedrich-Alexander-Universität Erlangen-Nürnberg).

NM_006009.4(TUBA1A):c.652G>A (p.Asp218Asn)

Gene: TUBA1A (tubulin alpha 1a; minus strand). Cytogenetic location: 12q13.12.
Variant type: single nucleotide variant.
Coding change: c.652G>A on transcript NM_006009.4 (MANE Select); coding-DNA position 652, G replaced by A.
Protein change: p.Asp218Asn; replaces aspartic acid 218 with asparagine.
Molecular consequence: missense variant.
Genome position (GRCh38, 1-based): chr12:49,185,714, C>T on the plus strand (G>A on the coding strand, the complement: TUBA1A is on the minus strand). VCF-style: chr12-49185714-C-T. GRCh37 (hg19) VCF-style: chr12-49579497-C-T.
Other names: c.652G>A, p.Asp218Asn (NM_001270399.2); c.547G>A, p.Asp183Asn (NM_001270400.2); short protein forms D218N, D183N.
Identifiers: ClinVar variation 372561 (VCV000372561.22), dbSNP rs1057517858, ClinGen allele CA16042849.